The following is an entry in ClinVar:

ClinVar aggregate classification (germline): Uncertain significance. Review status: criteria provided, multiple submitters, no conflicts (2 of 4 stars). 4 submissions from 4 submitters: Uncertain significance (4). Last evaluated 2026-06-29.

Conditions:
Cardiovascular phenotype. Identifiers: MedGen CN230736.

Allele frequency attached by ClinVar (database versions not stated): gnomAD exomes below 0.00001; gnomAD 0.00001; TOPMed 0.00001.
gnomAD v4.1: 3 of 1,547,518 alleles (0.00019%); highest among the groups gnomAD compares: East Asian, 0.0024%; no homozygotes.

Submissions (4):

Women's Health and Genetics/Laboratory Corporation of America, LabCorp
Classification: Uncertain significance. Last evaluated: 2026-06-29. Review status: criteria provided, single submitter. Criteria: LabCorp Variant Classification Summary - May 2015. Collection method: clinical testing. Allele origin: germline.

Labcorp Genetics (formerly Invitae), Labcorp
Classification: Uncertain significance. Last evaluated: 2025-05-12. Review status: criteria provided, single submitter. Criteria: Invitae Variant Classification Sherloc (09022015). Collection method: clinical testing. Allele origin: germline.
Comment: This sequence change replaces proline, which is neutral and non-polar, with serine, which is neutral and polar, at codon 447 of the ZNF469 protein (p.Pro447Ser). This variant is not present in population databases (gnomAD no frequency). This variant has not been reported in the literature in individuals affected with ZNF469-related conditions. ClinVar contains an entry for this variant (Variation ID: 808121). An algorithm developed to predict the effect of missense changes on protein structure and function outputs the following: PolyPhen-2: "Benign". The serine amino acid residue is found in multiple mammalian species, which suggests that this missense change does not adversely affect protein function. In summary, the available evidence is currently insufficient to determine the role of this variant in disease. Therefore, it has been classified as a Variant of Uncertain Significance.

Ambry Genetics
Classification: Uncertain significance for Cardiovascular phenotype. Last evaluated: 2023-01-15. Review status: criteria provided, single submitter. Criteria: Ambry Variant Classification Scheme 2023. Collection method: clinical testing. Allele origin: germline.
Comment: The p.P447S variant (also known as c.1339C>T), located in coding exon 1 of the ZNF469 gene, results from a C to T substitution at nucleotide position 1339. The proline at codon 447 is replaced by serine, an amino acid with similar properties. This amino acid position is conserved. In addition, this alteration is predicted to be tolerated by in silico analysis. Since supporting evidence is limited at this time, the clinical significance of this alteration remains unclear.

CeGaT Center for Human Genetics Tuebingen
Classification: Uncertain significance. Last evaluated: 2021-10-01. Review status: criteria provided, single submitter. Criteria: CeGaT Center For Human Genetics Tuebingen Variant Classification Criteria Version 2. Collection method: clinical testing. Allele origin: germline. Affected: yes. Observed: 2 variant alleles.

NM_001367624.2(ZNF469):c.1339C>T (p.Pro447Ser)

Gene: ZNF469 (zinc finger protein 469; plus strand). Cytogenetic location: 16q24.2.
Variant type: single nucleotide variant.
Coding change: c.1339C>T on transcript NM_001367624.2 (MANE Select); coding-DNA position 1339, C replaced by T.
Protein change: p.Pro447Ser; replaces proline 447 with serine.
Molecular consequence: missense variant.
Genome position (GRCh38, 1-based): chr16:88,428,809, C>T. VCF-style: chr16-88428809-C-T. GRCh37 (hg19) VCF-style: chr16-88495217-C-T.
Other names: NM_001127464.1:c.1339C>T; short protein forms P447S.
Identifiers: ClinVar variation 808121 (VCV000808121.47), dbSNP rs931930346, ClinGen allele CA286372610.